The following is an entry in ClinVar:

NM_001372.4(DNAH9):c.9043_9246+106del

Gene: DNAH9 (dynein axonemal heavy chain 9; plus strand). Cytogenetic location: 17p12.
Variant type: Deletion.
Coding change: c.9043_9246+106del on transcript NM_001372.4 (MANE Select); coding-DNA position 9043 through 106 bases into the intron after coding-DNA position 9246, 310 bases deleted.
Molecular consequence: splice donor variant.
Genome position (GRCh38, 1-based): chr17:11,822,831-11,823,140, 310 bases deleted. GRCh37 (hg19): chr17:11,726,148-11,726,457.
Identifiers: ClinVar variation 2758698 (VCV002758698.3), dbSNP rs2544717084, ClinGen allele CA2697559419.

ClinVar aggregate classification (germline): Pathogenic (1 of 4 stars; one submission).

Submission:

Labcorp Genetics (formerly Invitae), Labcorp
Classification: Pathogenic. Last evaluated: 2023-09-06. Review status: criteria provided, single submitter. Criteria: Invitae Variant Classification Sherloc (09022015). Collection method: clinical testing. Allele origin: germline.
Comment: This variant results in the deletion of part of exon 48 (c.9043_9246+106del) of the DNAH9 gene. It is expected to disrupt RNA splicing. Variants that disrupt the donor or acceptor splice site typically lead to a loss of protein function (PMID: 16199547), and loss-of-function variants in DNAH9 are known to be pathogenic (PMID: 30471718). For these reasons, this variant has been classified as Pathogenic. This variant has been observed in individual(s) with clinical features of primary ciliary dyskinesia (Invitae). This variant is not present in population databases (gnomAD no frequency).

Literature cited by the submitters: PubMed 16199547; PubMed 30471718.